The following is an entry in ClinVar:

NM_001376.5(DYNC1H1):c.8307C>T (p.Leu2769=)

Gene: DYNC1H1 (dynein cytoplasmic 1 heavy chain 1; plus strand). Cytogenetic location: 14q32.31.
Variant type: single nucleotide variant.
Coding change: c.8307C>T on transcript NM_001376.5 (MANE Select); coding-DNA position 8307, C replaced by T.
Protein change: p.Leu2769=; no amino-acid change (leucine 2769 retained).
Molecular consequence: synonymous variant.
Genome position (GRCh38, 1-based): chr14:102,018,580, C>T. VCF-style: chr14-102018580-C-T. GRCh37 (hg19) VCF-style: chr14-102484917-C-T.
Identifiers: ClinVar variation 763468 (VCV000763468.15), dbSNP rs1256192772, ClinGen allele CA487964555.

ClinVar aggregate classification (germline): Likely benign. Review status: criteria provided, multiple submitters, no conflicts (2 of 4 stars). 2 submissions from 2 submitters: Likely benign (2). Last evaluated 2025-04-01.

Conditions:
Charcot-Marie-Tooth disease axonal type 2O. Also called: Charcot-Marie-Tooth Neuropathy Type 2O; Charcot-Marie-Tooth disease, axonal, type 20; CHARCOT-MARIE-TOOTH NEUROPATHY, AXONAL, TYPE 2O; CHARCOT-MARIE-TOOTH DISEASE, AXONAL, AUTOSOMAL DOMINANT, TYPE 2O. Identifiers: Orphanet 284232, MedGen C3280220, MONDO:0013644, OMIM 614228.

Allele frequency attached by ClinVar (database versions not stated): gnomAD 0.00001; gnomAD exomes 0.00001.
gnomAD v4.1: 9 of 1,612,918 alleles (0.00056%); highest among the groups gnomAD compares: Non-Finnish European, 0.00025%; no homozygotes.

Submissions (2):

CeGaT Center for Human Genetics Tuebingen
Classification: Likely benign. Last evaluated: 2025-04-01. Review status: criteria provided, single submitter. Criteria: CeGaT Center For Human Genetics Tuebingen Variant Classification Criteria Version 2. Collection method: clinical testing. Allele origin: germline. Affected: yes. Observed: 1 variant allele.
Comment: DYNC1H1: BP4, BP7

Labcorp Genetics (formerly Invitae), Labcorp
Classification: Likely benign for Charcot-Marie-Tooth disease axonal type 2O. Last evaluated: 2022-04-24. Review status: criteria provided, single submitter. Criteria: Invitae Variant Classification Sherloc (09022015). Collection method: clinical testing. Allele origin: germline.